The following is an entry in ClinVar:

ClinVar aggregate classification (germline): Uncertain significance (1 of 4 stars; one submission).

Conditions:
Primary ciliary dyskinesia 32. Also called: CILIARY DYSKINESIA, PRIMARY, 32, WITHOUT SITUS INVERSUS. Identifiers: Orphanet 244, MedGen C4225311, MONDO:0014657, OMIM 616481.

Submission:

Labcorp Genetics (formerly Invitae), Labcorp
Classification: Uncertain significance for Primary ciliary dyskinesia 32. Last evaluated: 2024-03-01. Review status: criteria provided, single submitter. Criteria: Invitae Variant Classification Sherloc (09022015). Collection method: clinical testing. Allele origin: germline.
Comment: This sequence change replaces glutamic acid, which is acidic and polar, with glycine, which is neutral and non-polar, at codon 245 of the RSPH3 protein (p.Glu245Gly). This variant is not present in population databases (gnomAD no frequency). This variant has not been reported in the literature in individuals affected with RSPH3-related conditions. An algorithm developed to predict the effect of missense changes on protein structure and function (PolyPhen-2) suggests that this variant is likely to be disruptive. In summary, the available evidence is currently insufficient to determine the role of this variant in disease. Therefore, it has been classified as a Variant of Uncertain Significance.

NM_031924.8(RSPH3):c.308A>G (p.Glu103Gly)

Gene: RSPH3 (radial spoke head 3; minus strand). Cytogenetic location: 6q25.3.
Variant type: single nucleotide variant.
Coding change: c.308A>G on transcript NM_031924.8 (MANE Select); coding-DNA position 308, A replaced by G.
Protein change: p.Glu103Gly; replaces glutamic acid 103 with glycine.
Molecular consequence: missense variant. On other transcripts: non-coding transcript variant (1), intron variant (1).
Genome position (GRCh38, 1-based): chr6:158,986,318, T>C on the plus strand (A>G on the coding strand, the complement: RSPH3 is on the minus strand). VCF-style: chr6-158986318-T-C. GRCh37 (hg19) VCF-style: chr6-159407350-T-C.
Other names: c.631-3630A>G (NM_001346418.1); short protein forms E103G.
Identifiers: ClinVar variation 3642972 (VCV003642972.2).